The following is an entry in ClinVar:

ClinVar aggregate classification (germline): Likely benign (1 of 4 stars; one submission).

Conditions:
SERPINF2-related disorder. Also called: SERPINF2-related condition.

gnomAD v4.1: 80 of 1,613,382 alleles (0.005%); highest among the groups gnomAD compares: African/African-American, 0.036%; no homozygotes.

Submission:

PreventionGenetics, part of Exact Sciences
Classification: Likely benign for SERPINF2-related condition. Last evaluated: 2026-08-08. Review status: criteria provided, single submitter. Criteria: ACMG Guidelines, 2015. Collection method: clinical testing. Allele origin: germline.
Comment: This variant is classified as likely benign based on ACMG/AMP sequence variant interpretation guidelines (Richards et al. 2015 PMID: 25741868, with internal and published modifications).

NM_000934.4(SERPINF2):c.715+4C>T

Gene: SERPINF2 (serpin family F member 2; plus strand). Cytogenetic location: 17p13.3.
Variant type: single nucleotide variant.
Coding change: c.715+4C>T on transcript NM_000934.4 (MANE Select); 4 bases into the intron after coding-DNA position 715, C replaced by T.
Molecular consequence: intron variant.
Genome position (GRCh38, 1-based): chr17:1,747,516, C>T. VCF-style: chr17-1747516-C-T. GRCh37 (hg19) VCF-style: chr17-1650810-C-T.
Other names: c.523+4C>T (NM_001165921.2); c.715+4C>T (NM_001165920.1).
Identifiers: ClinVar variation 4989824 (VCV004989824.1).